The following is an entry in ClinVar:

NM_001369.3(DNAH5):c.6815_6818dup (p.Thr2274fs)

Gene: DNAH5 (dynein axonemal heavy chain 5; minus strand). Cytogenetic location: 5p15.2.
Variant type: Duplication.
Coding change: c.6815_6818dup on transcript NM_001369.3 (MANE Select); coding-DNA positions 6815 to 6818, 4 bases duplicated (TCCA; older notation c.6815_6818dupTCCA).
Protein change: p.Thr2274fs; shifts the reading frame from threonine 2274.
Molecular consequence: frameshift variant.
Genome position (GRCh38, 1-based): chr5:13,820,369-13,820,372, TGGA duplicated on the plus strand (TCCA on the coding strand, the reverse complement: DNAH5 is on the minus strand); duplicating any 4 consecutive bases within chr5:13,820,369-13,820,374 gives the same sequence; the c. name uses the placement nearest the transcript's 3' end. VCF-style (leftmost placement, unchanged base first): chr5-13820368-G-GTGGA. GRCh37 (hg19) VCF-style: chr5-13820477-G-GTGGA.
Other names: short protein forms T2274fs.
Identifiers: ClinVar variation 2628676 (VCV002628676.4), dbSNP rs2546843111, ClinGen allele CA2695198580.

ClinVar aggregate classification (germline): Pathogenic/Likely pathogenic. Review status: criteria provided, multiple submitters, no conflicts (2 of 4 stars). 2 submissions from 2 submitters: Pathogenic (1); Likely pathogenic (1). Last evaluated 2024-10-06.

Conditions:
DNAH5-related disorder. Also called: DNAH5-related condition.
Primary ciliary dyskinesia. Also called: Ciliary dyskinesia. Identifiers: Orphanet 244, MedGen C0008780, MONDO:0016575, HP:0012265.

Submissions (2):

Labcorp Genetics (formerly Invitae), Labcorp
Classification: Pathogenic for Primary ciliary dyskinesia. Last evaluated: 2024-10-06. Review status: criteria provided, single submitter. Criteria: Invitae Variant Classification Sherloc (09022015). Collection method: clinical testing. Allele origin: germline.
Comment: This sequence change creates a premature translational stop signal (p.Thr2274Profs*39) in the DNAH5 gene. It is expected to result in an absent or disrupted protein product. Loss-of-function variants in DNAH5 are known to be pathogenic (PMID: 11788826, 16627867). This variant is not present in population databases (gnomAD no frequency). This variant has not been reported in the literature in individuals affected with DNAH5-related conditions. ClinVar contains an entry for this variant (Variation ID: 2628676). For these reasons, this variant has been classified as Pathogenic.

PreventionGenetics, part of Exact Sciences
Classification: Likely pathogenic for DNAH5-related condition. Last evaluated: 2023-04-12. Review status: criteria provided, single submitter. Criteria: ACMG Guidelines, 2015. Collection method: clinical testing. Allele origin: germline.
Comment: The DNAH5 c.6815_6818dupTCCA variant is predicted to result in a frameshift and premature protein termination (p.Thr2274Profs*39). To our knowledge, this variant has not been reported in the literature or in a large population database, indicating this variant is rare. Frameshift variants in DNAH5 are expected to be pathogenic. This variant is interpreted as likely pathogenic.

Literature cited by the submitters: PubMed 11788826 (cited by Labcorp Genetics (formerly Invitae), Labcorp); PubMed 16627867 (cited by Labcorp Genetics (formerly Invitae), Labcorp).